The following is an entry in ClinVar:

ClinVar aggregate classification (germline): Uncertain significance. Review status: criteria provided, multiple submitters, no conflicts (2 of 4 stars). 2 submissions from 2 submitters: Uncertain significance (2). Last evaluated 2023-09-25.

gnomAD v4.1: 13 of 1,614,056 alleles (0.00081%); highest among the groups gnomAD compares: Non-Finnish European, 0.0011%; no homozygotes.

Submissions (2):

Blueprint Genetics
Classification: Uncertain significance. Last evaluated: 2023-09-25. Review status: criteria provided, single submitter. Criteria: ACMG Guidelines, 2015. Collection method: clinical testing. Allele origin: germline.

Labcorp Genetics (formerly Invitae), Labcorp
Classification: Uncertain significance. Last evaluated: 2021-12-15. Review status: criteria provided, single submitter. Criteria: Invitae Variant Classification Sherloc (09022015). Collection method: clinical testing. Allele origin: germline.
Comment: ClinVar contains an entry for this variant (Variation ID: 938990). In summary, the available evidence is currently insufficient to determine the role of this variant in disease. Therefore, it has been classified as a Variant of Uncertain Significance. Algorithms developed to predict the effect of missense changes on protein structure and function are either unavailable or do not agree on the potential impact of this missense change (SIFT: "Deleterious"; PolyPhen-2: "Probably Damaging"; Align-GVGD: "Class C0"). This variant has not been reported in the literature in individuals affected with IMPG1-related conditions. This variant is not present in population databases (gnomAD no frequency). This sequence change replaces arginine, which is basic and polar, with glycine, which is neutral and non-polar, at codon 70 of the IMPG1 protein (p.Arg70Gly).

NM_001563.4(IMPG1):c.208A>G (p.Arg70Gly)

Gene: IMPG1 (interphotoreceptor matrix proteoglycan 1; minus strand). Cytogenetic location: 6q14.1.
Variant type: single nucleotide variant.
Coding change: c.208A>G on transcript NM_001563.4 (MANE Select); coding-DNA position 208, A replaced by G.
Protein change: p.Arg70Gly; replaces arginine 70 with glycine.
Molecular consequence: missense variant. On other transcripts: intron variant (1).
Genome position (GRCh38, 1-based): chr6:76,041,986, T>C on the plus strand (A>G on the coding strand, the complement: IMPG1 is on the minus strand). VCF-style: chr6-76041986-T-C. GRCh37 (hg19) VCF-style: chr6-76751703-T-C.
Other names: c.68-7199A>G (NM_001282368.2); short protein forms R70G.
Identifiers: ClinVar variation 938990 (VCV000938990.8), dbSNP rs1783851251, ClinGen allele CA364829734.